The following is an entry in ClinVar:

ClinVar aggregate classification (germline): Benign/Likely benign. Review status: criteria provided, multiple submitters, no conflicts (2 of 4 stars). 3 submissions from 3 submitters: Benign (1); Likely benign (2). Last evaluated 2026-05-06.

Conditions:
Colorectal cancer, hereditary nonpolyposis, type 7. Identifiers: Orphanet 144, MedGen C1858380, MONDO:0013725, OMIM 614385.

Allele frequency attached by ClinVar (database versions not stated): gnomAD 0.00001; TOPMed 0.00001; ESP Exome Variant Server 0.00008; ExAC 0.00001; gnomAD exomes 0.00006.
gnomAD v4.1: 92 of 1,608,316 alleles (0.0057%); highest among the groups gnomAD compares: Non-Finnish European, 0.0077%; no homozygotes.

Submissions (3):

Myriad Genetics, Inc.
Classification: Benign for Colorectal cancer, hereditary nonpolyposis, type 7. Last evaluated: 2026-05-06. Review status: criteria provided, single submitter. Criteria: Myriad Autosomal Dominant, Autosomal Recessive and X-Linked Classification Criteria (2023). Collection method: clinical testing. Allele origin: unknown.
Comment: This variant is considered benign. This variant is a silent/synonymous amino acid change and it is not expected to impact splicing.

Labcorp Genetics (formerly Invitae), Labcorp
Classification: Likely benign for Colorectal cancer, hereditary nonpolyposis, type 7. Last evaluated: 2025-06-02. Review status: criteria provided, single submitter. Criteria: Invitae Variant Classification Sherloc (09022015). Collection method: clinical testing. Allele origin: germline.

Ambry Genetics
Classification: Likely benign. Last evaluated: 2021-08-10. Review status: criteria provided, single submitter. Criteria: Ambry Variant Classification Scheme 2023. Collection method: clinical testing. Allele origin: germline.

NM_001040108.2(MLH3):c.3726G>A (p.Glu1242=)

Gene: MLH3 (mutL homolog 3; minus strand). Cytogenetic location: 14q24.3.
Variant type: single nucleotide variant.
Coding change: c.3726G>A on transcript NM_001040108.2 (MANE Select); coding-DNA position 3726, G replaced by A.
Protein change: p.Glu1242=; no amino-acid change (glutamic acid 1242 retained).
Molecular consequence: synonymous variant.
Genome position (GRCh38, 1-based): chr14:75,032,169, C>T on the plus strand (G>A on the coding strand, the complement: MLH3 is on the minus strand). VCF-style: chr14-75032169-C-T. GRCh37 (hg19) VCF-style: chr14-75498872-C-T.
Other names: c.3654G>A, p.Glu1218= (NM_014381.3).
Identifiers: ClinVar variation 1734331 (VCV001734331.6), dbSNP rs368136738, ClinGen allele CA7275338.